The following is an entry in ClinVar:

NM_001277115.2(DNAH11):c.2774A>T (p.His925Leu)

Gene: DNAH11 (dynein axonemal heavy chain 11; plus strand). Cytogenetic location: 7p15.3.
Variant type: single nucleotide variant.
Coding change: c.2774A>T on transcript NM_001277115.2 (MANE Select); coding-DNA position 2774, A replaced by T.
Protein change: p.His925Leu; replaces histidine 925 with leucine.
Molecular consequence: missense variant.
Genome position (GRCh38, 1-based): chr7:21,599,893, A>T. VCF-style: chr7-21599893-A-T. GRCh37 (hg19) VCF-style: chr7-21639511-A-T.
Other names: c.2774A>T (NM_001277115.1); c.2774A>T, p.His925Leu (NM_003777.3); short protein forms H925L.
Identifiers: ClinVar variation 2067598 (VCV002067598.5), dbSNP rs759163666, ClinGen allele CA4179430.

ClinVar aggregate classification (germline): Conflicting classifications of pathogenicity. Review status: criteria provided, conflicting classifications (1 of 4 stars). 2 submissions from 2 submitters: Uncertain significance (1); Likely benign (1). Last evaluated 2024-01-08.

Conditions:
Primary ciliary dyskinesia. Also called: Ciliary dyskinesia. Identifiers: Orphanet 244, MedGen C0008780, MONDO:0016575, HP:0012265.

gnomAD v4.1: 4 of 1,613,518 alleles (0.00025%); highest among the groups gnomAD compares: Non-Finnish European, 0.00034%; no homozygotes.

Submissions (2):

Ambry Genetics
Classification: Uncertain significance for Primary ciliary dyskinesia. Last evaluated: 2024-01-08. Review status: criteria provided, single submitter. Criteria: Ambry Variant Classification Scheme 2023. Collection method: clinical testing. Allele origin: germline.
Comment: The p.H925L variant (also known as c.2774A>T), located in coding exon 15 of the DNAH11 gene, results from an A to T substitution at nucleotide position 2774. The histidine at codon 925 is replaced by leucine, an amino acid with similar properties. This amino acid position is conserved. In addition, this alteration is predicted to be tolerated by in silico analysis. Since supporting evidence is limited at this time, the clinical significance of this alteration remains unclear.

Labcorp Genetics (formerly Invitae), Labcorp
Classification: Likely benign for Primary ciliary dyskinesia. Last evaluated: 2023-11-14. Review status: criteria provided, single submitter. Criteria: Invitae Variant Classification Sherloc (09022015). Collection method: clinical testing. Allele origin: germline.